The following is an entry in ClinVar:

NM_001042492.3(NF1):c.5389A>G (p.Asn1797Asp)

Gene: NF1 (neurofibromin 1; plus strand). Cytogenetic location: 17q11.2.
Variant type: single nucleotide variant.
Coding change: c.5389A>G on transcript NM_001042492.3 (MANE Select); coding-DNA position 5389, A replaced by G.
Protein change: p.Asn1797Asp; replaces asparagine 1797 with aspartic acid.
Molecular consequence: missense variant.
Genome position (GRCh38, 1-based): chr17:31,327,619, A>G. VCF-style: chr17-31327619-A-G. GRCh37 (hg19) VCF-style: chr17-29654637-A-G.
Other names: c.5326A>G, p.Asn1776Asp (NM_000267.4); short protein forms N1776D, N1797D.
Identifiers: ClinVar variation 2847823 (VCV002847823.4), dbSNP rs2151541191, ClinGen allele CA399009329.

ClinVar aggregate classification (germline): Uncertain significance. Review status: criteria provided, multiple submitters, no conflicts (2 of 4 stars). 2 submissions from 2 submitters: Uncertain significance (2). Last evaluated 2025-12-06.

Conditions:
Hereditary cancer-predisposing syndrome. Also called: Hereditary Cancer Syndrome; Hereditary neoplastic syndrome; Neoplastic Syndromes, Hereditary; Tumor predisposition. Identifiers: Orphanet 140162, MedGen C0027672, MeSH D009386, MONDO:0015356.
Cardiovascular phenotype. Identifiers: MedGen CN230736.
Neurofibromatosis, type 1 (NF1). Also called: Neurofibromatosis, type I; VON RECKLINGHAUSEN DISEASE; NEUROFIBROMATOSIS, TYPE I, SOMATIC; Peripheral type neurofibromatosis. Identifiers: Orphanet 636, MedGen C0027831, MONDO:0018975, OMIM 162200. Disease mechanism: loss of function.

Submissions (2):

Labcorp Genetics (formerly Invitae), Labcorp
Classification: Uncertain significance for Neurofibromatosis, type 1. Last evaluated: 2025-12-06. Review status: criteria provided, single submitter. Criteria: Invitae Variant Classification Sherloc (09022015). Collection method: clinical testing. Allele origin: germline.
Comment: This sequence change replaces asparagine, which is neutral and polar, with aspartic acid, which is acidic and polar, at codon 1776 of the NF1 protein (p.Asn1776Asp). This variant is not present in population databases (gnomAD no frequency). This variant has not been reported in the literature in individuals affected with NF1-related conditions. ClinVar contains an entry for this variant (Variation ID: 2847823). Invitae Evidence Modeling of protein sequence and biophysical properties (such as structural, functional, and spatial information, amino acid conservation, physicochemical variation, residue mobility, and thermodynamic stability) has been performed for this missense variant. However, the output from this modeling did not meet the statistical confidence thresholds required to predict the impact of this variant on NF1 protein function. In summary, the available evidence is currently insufficient to determine the role of this variant in disease. Therefore, it has been classified as a Variant of Uncertain Significance.

Ambry Genetics
Classification: Uncertain significance for Cardiovascular phenotype; Hereditary cancer-predisposing syndrome. Last evaluated: 2024-10-11. Review status: criteria provided, single submitter. Criteria: Ambry Variant Classification Scheme 2023. Collection method: clinical testing. Allele origin: germline.
Comment: The p.N1776D variant (also known as c.5326A>G), located in coding exon 37 of the NF1 gene, results from an A to G substitution at nucleotide position 5326. The asparagine at codon 1776 is replaced by aspartic acid, an amino acid with highly similar properties. This amino acid position is conserved. In addition, this alteration is predicted to be tolerated by in silico analysis. Based on the available evidence, the clinical significance of this variant remains unclear.